The following is an entry in ClinVar:

NM_000784.4(CYP27A1):c.157C>T (p.Arg53Trp)

Gene: CYP27A1 (cytochrome P450 family 27 subfamily A member 1; plus strand). Cytogenetic location: 2q35.
Variant type: single nucleotide variant.
Coding change: c.157C>T on transcript NM_000784.4 (MANE Select); coding-DNA position 157, C replaced by T.
Protein change: p.Arg53Trp; replaces arginine 53 with tryptophan.
Molecular consequence: missense variant.
Genome position (GRCh38, 1-based): chr2:218,782,339, C>T. VCF-style: chr2-218782339-C-T. GRCh37 (hg19) VCF-style: chr2-219647062-C-T.
Other names: short protein forms R53W.
Identifiers: ClinVar variation 1952819 (VCV001952819.2), dbSNP rs757522001, ClinGen allele CA2112524.

ClinVar aggregate classification (germline): Uncertain significance (1 of 4 stars; one submission).

Conditions:
Cholestanol storage disease (CTX). Also called: CEREBRAL CHOLESTERINOSIS; Cerebrotendinous Xanthomatosis; CTX: Cerebrotendinous xanthomatosis. Identifiers: Orphanet 909, MedGen C0238052, MONDO:0008948, OMIM 213700.

Allele frequency attached by ClinVar (database versions not stated): gnomAD exomes below 0.00001; ExAC 0.00001; gnomAD 0.00002; TOPMed 0.00002.
gnomAD v4.1: 4 of 1,613,482 alleles (0.00025%); highest among the groups gnomAD compares: African/African-American, 0.0013%; no homozygotes.

Submission:

Labcorp Genetics (formerly Invitae), Labcorp
Classification: Uncertain significance for Cholestanol storage disease. Last evaluated: 2022-05-29. Review status: criteria provided, single submitter. Criteria: Invitae Variant Classification Sherloc (09022015). Collection method: clinical testing. Allele origin: germline.
Comment: This sequence change replaces arginine, which is basic and polar, with tryptophan, which is neutral and slightly polar, at codon 53 of the CYP27A1 protein (p.Arg53Trp). The frequency data for this variant in the population databases is considered unreliable, as metrics indicate poor data quality at this position in the gnomAD database. This variant has not been reported in the literature in individuals affected with CYP27A1-related conditions. Advanced modeling of protein sequence and biophysical properties (such as structural, functional, and spatial information, amino acid conservation, physicochemical variation, residue mobility, and thermodynamic stability) performed at Invitae indicates that this missense variant is not expected to disrupt CYP27A1 protein function. In summary, the available evidence is currently insufficient to determine the role of this variant in disease. Therefore, it has been classified as a Variant of Uncertain Significance.